The following is an entry in ClinVar:

ClinVar aggregate classification (germline): Benign. Review status: criteria provided, multiple submitters, no conflicts (2 of 4 stars). 3 submissions from 3 submitters: Benign (2). 1 of the submissions does not count toward it. Last evaluated 2021-05-12.

Conditions:
RHEB-related disorder. Also called: RHEB-related condition.

Allele frequency attached by ClinVar (database versions not stated): gnomAD 0.52485 and 0.52264; ESP Exome Variant Server 0.52717; gnomAD exomes 0.50537 and 0.50294; ExAC 0.50780; TOPMed 0.52091; 1000 Genomes Project 30x 0.53685; 1000 Genomes Project 0.54034.
gnomAD v4.1: 793,562 of 1,563,744 alleles (51%); highest among the groups gnomAD compares: South Asian, 59%; 203,725 homozygotes.

Submissions (4):

GeneDx
Classification: Benign. Last evaluated: 2021-05-12. Review status: criteria provided, single submitter. Criteria: GeneDx Variant Classification Process June 2021. Collection method: clinical testing. Allele origin: germline. Affected: yes.

Breakthrough Genomics
Classification: Benign. Review status: criteria provided, single submitter. Criteria: ACMG Guidelines, 2015. Collection method: not provided. Allele origin: germline. Inheritance: Unknown mechanism. Affected: yes.

PreventionGenetics, part of Exact Sciences
Classification: Benign for RHEB-related condition. Last evaluated: 2019-10-17. Review status: no assertion criteria provided. Collection method: clinical testing. Allele origin: germline. Not counted in ClinVar's aggregate classification.
Comment: This variant is classified as benign based on ACMG/AMP sequence variant interpretation guidelines (Richards et al. 2015 PMID: 25741868, with internal and published modifications).

Dr. Peter K. Rogan Lab, Western University
No classification provided (evidence only). Condition: Hepatocellular carcinoma. Review status: no classification provided. Collection method: in vitro. Allele origin: not applicable. Functional consequence: retained intron. Not counted in ClinVar's aggregate classification.

NM_005614.4(RHEB):c.333-7C>T

Gene: RHEB (Ras homolog, mTORC1 binding; minus strand). Cytogenetic location: 7q36.1.
Variant type: single nucleotide variant.
Coding change: c.333-7C>T on transcript NM_005614.4 (MANE Select); 7 bases into the intron before coding-DNA position 333, C replaced by T.
Molecular consequence: intron variant.
Genome position (GRCh38, 1-based): chr7:151,471,448, G>A on the plus strand (C>T on the coding strand, the complement: RHEB is on the minus strand). VCF-style: chr7-151471448-G-A. GRCh37 (hg19) VCF-style: chr7-151168534-G-A.
Other names: NC_000007.13:g.151168534G>A; c.333-7C>T (NM_005614.3).
Identifiers: ClinVar variation 1245836 (VCV001245836.6), dbSNP rs6956899, ClinGen allele CA4577093.
Genomic context (GRCh38, chr7:151,471,448, plus strand): 5'-ACATACCTTTCCATATGCAGGTCTTTCTTATTCCCAACCAACATAATAGGTATTCTATTT[G>A]TAAGAAAAAAAAGACAAACCAGTAAGTGCCAGATTGTATTGCTCAGAAGATACTATTAAA-3'